The following is an entry in ClinVar:

NM_002335.4(LRP5):c.1870C>T (p.Arg624Trp)

Gene: LRP5 (LDL receptor related protein 5; plus strand). Cytogenetic location: 11q13.2.
Variant type: single nucleotide variant.
Coding change: c.1870C>T on transcript NM_002335.4 (MANE Select); coding-DNA position 1870, C replaced by T.
Protein change: p.Arg624Trp; replaces arginine 624 with tryptophan.
Molecular consequence: missense variant.
Genome position (GRCh38, 1-based): chr11:68,406,592, C>T. VCF-style: chr11-68406592-C-T. GRCh37 (hg19) VCF-style: chr11-68174060-C-T.
Other names: c.127C>T, p.Arg43Trp (NM_001291902.2); short protein forms R43W, R624W.
Identifiers: ClinVar variation 1477058 (VCV001477058.8), dbSNP rs989864153, ClinGen allele CA224268259.

ClinVar aggregate classification (germline): Uncertain significance (1 of 4 stars; one submission).

Allele frequency attached by ClinVar (database versions not stated): gnomAD exomes below 0.00001; TOPMed 0.00002.
gnomAD v4.1: 10 of 1,614,056 alleles (0.00062%); highest among the groups gnomAD compares: South Asian, 0.0011%; no homozygotes.

Submission:

Labcorp Genetics (formerly Invitae), Labcorp
Classification: Uncertain significance. Last evaluated: 2024-10-05. Review status: criteria provided, single submitter. Criteria: Invitae Variant Classification Sherloc (09022015). Collection method: clinical testing. Allele origin: germline.
Comment: This sequence change replaces arginine, which is basic and polar, with tryptophan, which is neutral and slightly polar, at codon 624 of the LRP5 protein (p.Arg624Trp). This variant is present in population databases (no rsID available, gnomAD 0.0009%). This missense change has been observed in individual(s) with clinical features of familial exudative vitreoretinopathy (PMID: 27228167, 30452590). ClinVar contains an entry for this variant (Variation ID: 1477058). Invitae Evidence Modeling of protein sequence and biophysical properties (such as structural, functional, and spatial information, amino acid conservation, physicochemical variation, residue mobility, and thermodynamic stability) has been performed for this missense variant. However, the output from this modeling did not meet the statistical confidence thresholds required to predict the impact of this variant on LRP5 protein function. In summary, the available evidence is currently insufficient to determine the role of this variant in disease. Therefore, it has been classified as a Variant of Uncertain Significance.

Literature cited by the submitters: PubMed 27228167; PubMed 30452590.